The following is an entry in ClinVar:

NM_001042492.3(NF1):c.7322-14C>A

Gene: NF1 (neurofibromin 1; plus strand). Cytogenetic location: 17q11.2.
Variant type: single nucleotide variant.
Coding change: c.7322-14C>A on transcript NM_001042492.3 (MANE Select); 14 bases into the intron before coding-DNA position 7322, C replaced by A.
Molecular consequence: intron variant.
Genome position (GRCh38, 1-based): chr17:31,350,169, C>A. VCF-style: chr17-31350169-C-A. GRCh37 (hg19) VCF-style: chr17-29677187-C-A.
Other names: c.7259-14C>A (NM_000267.4).
Identifiers: ClinVar variation 2704925 (VCV002704925.3), dbSNP rs377244887, ClinGen allele CA2637078064.
Genomic context (GRCh38, chr17:31,350,169, plus strand): 5'-TAAGAAGTTCATCCTGTTTTAAGTCACACTTGTGATTTGTTAAATTTTTTAACCTGCCAC[C>A]GTTTTCCTTTTAGCTTTACTTACAGTGTCTGAAGAAGTTCGAAGTCGCTGCAGCCTAAAA-3'

ClinVar aggregate classification (germline): Uncertain significance (1 of 4 stars; one submission).

Conditions:
Neurofibromatosis, type 1 (NF1). Also called: Peripheral type neurofibromatosis; VON RECKLINGHAUSEN DISEASE; NEUROFIBROMATOSIS, TYPE I, SOMATIC; Neurofibromatosis, type I. Identifiers: Orphanet 636, MedGen C0027831, MONDO:0018975, OMIM 162200. Disease mechanism: loss of function.

gnomAD v4.1: 1 of 1,613,794 alleles (0.000062%); highest among the groups gnomAD compares: Non-Finnish European, 0.000085%; no homozygotes.

Submission:

Labcorp Genetics (formerly Invitae), Labcorp
Classification: Uncertain significance for Neurofibromatosis, type 1. Last evaluated: 2024-05-07. Review status: criteria provided, single submitter. Criteria: Invitae Variant Classification Sherloc (09022015). Collection method: clinical testing. Allele origin: germline.
Comment: This sequence change falls in intron 48 of the NF1 gene. It does not directly change the encoded amino acid sequence of the NF1 protein. This variant is not present in population databases (gnomAD no frequency). This variant has not been reported in the literature in individuals affected with NF1-related conditions. Algorithms developed to predict the effect of sequence changes on RNA splicing suggest that this variant may create or strengthen a splice site. In summary, the available evidence is currently insufficient to determine the role of this variant in disease. Therefore, it has been classified as a Variant of Uncertain Significance.